The following is an entry in ClinVar:

ClinVar aggregate classification (germline): Pathogenic. Review status: criteria provided, multiple submitters, no conflicts (2 of 4 stars). 2 submissions from 2 submitters: Pathogenic (2). Last evaluated 2024-11-25.

Conditions:
Autosomal recessive nonsyndromic hearing loss 3. Also called: NEUROSENSORY NONSYNDROMIC RECESSIVE DEAFNESS 3. Identifiers: Orphanet 90636, MedGen C1838263, MONDO:0010860, OMIM 600316.

Allele frequency attached by ClinVar (database versions not stated): ExAC 0.00001; gnomAD exomes 0.00001.
gnomAD v4.1: 7 of 1,613,686 alleles (0.00043%); highest among the groups gnomAD compares: South Asian, 0.0022%; no homozygotes.

Submissions (2):

Labcorp Genetics (formerly Invitae), Labcorp
Classification: Pathogenic. Last evaluated: 2024-11-25. Review status: criteria provided, single submitter. Criteria: Invitae Variant Classification Sherloc (09022015). Collection method: clinical testing. Allele origin: germline.
Comment: This sequence change affects an acceptor splice site in intron 57 of the MYO15A gene. It is expected to disrupt RNA splicing. Variants that disrupt the donor or acceptor splice site typically lead to a loss of protein function (PMID: 16199547), and loss-of-function variants in MYO15A are known to be pathogenic (PMID: 17546645). This variant is present in population databases (rs756013406, gnomAD 0.007%). Disruption of this splice site has been observed in individual(s) with deafness (PMID: 31389194, 33187236). It has also been observed to segregate with disease in related individuals. ClinVar contains an entry for this variant (Variation ID: 2444220). Algorithms developed to predict the effect of sequence changes on RNA splicing suggest that this variant may disrupt the consensus splice site. For these reasons, this variant has been classified as Pathogenic.

3billion
Classification: Pathogenic for Autosomal recessive nonsyndromic hearing loss 3. Last evaluated: 2023-02-23. Review status: criteria provided, single submitter. Criteria: ACMG Guidelines, 2015. Collection method: clinical testing. Allele origin: unknown. Affected: yes.
Comment: The variant is observed at an extremely low frequency in the gnomAD v2.1.1 dataset (total allele frequency: <0.001%). This variant was predicted to alter splicing and result in a loss or disruption of normal protein function. Multiple pathogenic loss-of-function variants are reported downstream of the variant. The variant has been reported to be in trans with a pathogenic variant as either compound heterozygous or homozygous in at least one similarly affected unrelated individual (PMID: 33187236). The variant has been reported to co-segregate with the disease in at least one similarly affected relative/individual in the same family or similarly affected unrelated family (PMID: 33187236). The variant has been reported to be associated with MYO15A related disorder (3billion dataset). Therefore, this variant is classified as Pathogenic according to the recommendation of ACMG/AMP guideline.

Literature cited by the submitters: PubMed 16199547 (cited by Labcorp Genetics (formerly Invitae), Labcorp); PubMed 17546645 (cited by Labcorp Genetics (formerly Invitae), Labcorp); PubMed 31389194 (cited by Labcorp Genetics (formerly Invitae), Labcorp); PubMed 33187236 (cited by Labcorp Genetics (formerly Invitae), Labcorp and 3billion).

NM_016239.4(MYO15A):c.9518-2A>G

Gene: MYO15A (myosin XVA; plus strand). Cytogenetic location: 17p11.2.
Variant type: single nucleotide variant.
Coding change: c.9518-2A>G on transcript NM_016239.4 (MANE Select); the canonical splice acceptor site of the intron before coding-DNA position 9518, A replaced by G.
Molecular consequence: splice acceptor variant.
Genome position (GRCh38, 1-based): chr17:18,162,583, A>G. VCF-style: chr17-18162583-A-G. GRCh37 (hg19) VCF-style: chr17-18065897-A-G.
Identifiers: ClinVar variation 2444220 (VCV002444220.4), dbSNP rs756013406, ClinGen allele CA8425587.
Genomic context (GRCh38, chr17:18,162,583, plus strand): 5'-GGAGCGAGCCCCTTTCTCCCACAGTCCACCTTGGGCGAGGCCTGAACTCCCTGCTTCTGC[A>G]GGGATCGCCAAGGCCTGCGAGCAGAACCTGCAGAAAACCTTGCGCTTCGGAGGTCGTCTG-3'